The following is an entry in ClinVar:

NM_015465.5(GEMIN5):c.87C>T (p.Gly29=)

Gene: GEMIN5 (gem nuclear organelle associated protein 5; minus strand). Cytogenetic location: 5q33.2.
Variant type: single nucleotide variant.
Coding change: c.87C>T on transcript NM_015465.5 (MANE Select); coding-DNA position 87, C replaced by T.
Protein change: p.Gly29=; no amino-acid change (glycine 29 retained).
Molecular consequence: synonymous variant.
Genome position (GRCh38, 1-based): chr5:154,938,047, G>A on the plus strand (C>T on the coding strand, the complement: GEMIN5 is on the minus strand). VCF-style: chr5-154938047-G-A. GRCh37 (hg19) VCF-style: chr5-154317607-G-A.
Other names: c.87C>T, p.Gly29= (NM_001252156.2).
Identifiers: ClinVar variation 771154 (VCV000771154.29), dbSNP rs143587993, ClinGen allele CA3529424.

ClinVar aggregate classification (germline): Benign/Likely benign. Review status: criteria provided, multiple submitters, no conflicts (2 of 4 stars). 3 submissions from 3 submitters: Benign (1); Likely benign (2). Last evaluated 2026-07-01.

Allele frequency attached by ClinVar (database versions not stated): 1000 Genomes Project 0.00260; 1000 Genomes Project 30x 0.00265; ESP Exome Variant Server 0.00317; gnomAD exomes 0.00321 and 0.00393; gnomAD 0.00341 and 0.00344; TOPMed 0.00359; ExAC 0.00571.

Submissions (3):

CeGaT Center for Human Genetics Tuebingen
Classification: Likely benign. Last evaluated: 2026-07-01. Review status: criteria provided, single submitter. Criteria: CeGaT Center For Human Genetics Tuebingen Variant Classification Criteria Version 2. Collection method: clinical testing. Allele origin: germline. Affected: yes. Observed: 6 variant alleles.
Comment: GEMIN5: BP4, BP7, BS2

Blueprint Genetics
Classification: Likely benign. Last evaluated: 2024-11-25. Review status: criteria provided, single submitter. Criteria: ACMG Guidelines, 2015. Collection method: clinical testing. Allele origin: germline.

Labcorp Genetics (formerly Invitae), Labcorp
Classification: Benign. Last evaluated: 2019-12-31. Review status: criteria provided, single submitter. Criteria: Invitae Variant Classification Sherloc (09022015). Collection method: clinical testing. Allele origin: germline.